The following is an entry in ClinVar:

NM_001267550.2(TTN):c.4160T>C (p.Leu1387Pro)

Genes: TTN (titin; minus strand), LOC101927055 (uncharacterized LOC101927055; plus strand). Cytogenetic location: 2q31.2.
Variant type: single nucleotide variant.
Coding change: c.4160T>C on transcript NM_001267550.2 (MANE Select); coding-DNA position 4160, T replaced by C.
Protein change: p.Leu1387Pro; replaces leucine 1387 with proline.
Molecular consequence: missense variant.
Genome position (GRCh38, 1-based): chr2:178,778,922, A>G on the plus strand (T>C on the coding strand, the complement: TTN is on the minus strand). VCF-style: chr2-178778922-A-G. GRCh37 (hg19) VCF-style: chr2-179643649-A-G.
Other names: c.4160T>C, p.Leu1387Pro (NM_001256850.1, NM_133378.4, NM_133379.5); c.4022T>C, p.Leu1341Pro (NM_003319.4, NM_133432.3, NM_133437.4); short protein forms L1387P, L1341P.
Identifiers: ClinVar variation 515025 (VCV000515025.8), dbSNP rs115303497, ClinGen allele CA2005395.

ClinVar aggregate classification (germline): Conflicting classifications of pathogenicity. Review status: criteria provided, conflicting classifications (1 of 4 stars). 5 submissions from 5 submitters: Uncertain significance (3); Likely benign (2). Last evaluated 2026-08-04.

Conditions:
Cardiovascular phenotype. Identifiers: MedGen CN230736.
TTN-related disorder. Also called: TTN-related condition; TTN-related disease; TTN-related disorders.

Allele frequency attached by ClinVar (database versions not stated): gnomAD exomes 0.00001 and 0.00003; ExAC 0.00005; TOPMed 0.00010; gnomAD 0.00011 and 0.00012; ESP Exome Variant Server 0.00023; 1000 Genomes Project 0.00040; 1000 Genomes Project 30x 0.00062.
gnomAD v4.1: 32 of 1,613,984 alleles (0.002%); highest among the groups gnomAD compares: African/African-American, 0.039%; no homozygotes.

Submissions (5):

PreventionGenetics, part of Exact Sciences
Classification: Uncertain significance for TTN-related condition. Last evaluated: 2026-08-04. Review status: criteria provided, single submitter. Criteria: ACMG Guidelines, 2015. Collection method: clinical testing. Allele origin: germline.
Comment: The TTN c.4160T>C variant is predicted to result in the amino acid substitution p.Leu1387Pro. This variant has been reported in an individual with dilated cardiomyopathy (Table S3, Mazzarotto et al. 2020. PubMed ID: 31983221). This variant is reported in 0.044% of alleles in individuals of African descent in gnomAD. At this time, the clinical significance of this variant is uncertain due to the absence of conclusive functional and genetic evidence.

GeneDx
Classification: Likely benign. Last evaluated: 2020-12-22. Review status: criteria provided, single submitter. Criteria: GeneDx Variant Classification Process June 2021. Collection method: clinical testing. Allele origin: germline. Affected: yes.
Comment: This variant is associated with the following publications: (PMID: 31983221)

Women's Health and Genetics/Laboratory Corporation of America, LabCorp
Classification: Uncertain significance. Last evaluated: 2020-08-31. Review status: criteria provided, single submitter. Criteria: LabCorp Variant Classification Summary - May 2015. Collection method: clinical testing. Allele origin: germline.
Comment: Variant summary: TTN c.4160T>C (p.Leu1387Pro) results in a non-conservative amino acid change located in the near Z-disk domain of the encoded protein sequence. Three of five in-silico tools predict a benign effect of the variant on protein function. The variant allele was found at a frequency of 2.8e-05 in 250828 control chromosomes. The available data on variant occurrences in the general population are insufficient to allow any conclusion about variant significance. To our knowledge, no occurrence of c.4160T>C in individuals affected with Dilated Cardiomyopathy and no experimental evidence demonstrating its impact on protein function have been reported. Two clinical diagnostic laboratories have submitted clinical-significance assessments for this variant to ClinVar after 2014 without evidence for independent evaluation. One laboratory classified the variant as likely benign, and one laboratory classified the variant as uncertain significance. Based on the evidence outlined above, the variant was classified as uncertain significance.

Ambry Genetics
Classification: Likely benign for Cardiovascular phenotype. Last evaluated: 2020-07-24. Review status: criteria provided, single submitter. Criteria: Ambry Variant Classification Scheme 2023. Collection method: clinical testing. Allele origin: germline.

Athena Diagnostics
Classification: Uncertain significance. Last evaluated: 2017-11-10. Review status: criteria provided, single submitter. Criteria: Athena Diagnostics Criteria. Collection method: clinical testing. Allele origin: germline.